The following is an entry in ClinVar:

ClinVar aggregate classification (germline): Pathogenic (1 of 4 stars; one submission).

Conditions:
Werner syndrome (WRN). Identifiers: Orphanet 902, MedGen C0043119, MONDO:0010196, OMIM 277700.

Submission:

Labcorp Genetics (formerly Invitae), Labcorp
Classification: Pathogenic for Werner syndrome. Last evaluated: 2019-06-30. Review status: criteria provided, single submitter. Criteria: Invitae Variant Classification Sherloc (09022015). Collection method: clinical testing. Allele origin: germline.
Comment: This sequence change creates a premature translational stop signal (p.Tyr57*) in the WRN gene. It is expected to result in an absent or disrupted protein product. This variant is not present in population databases (ExAC no frequency). This variant has not been reported in the literature in individuals with WRN-related conditions. Two different variants (c.171C>A and c.171C>G) giving rise to the same protein effect observed here (p.Tyr57*) have been determined to be pathogenic (PMID: 16673358, Invitae). This suggests that this variant is also likely to be causative of disease. Loss-of-function variants in WRN are known to be pathogenic (PMID: 16673358). For these reasons, this variant has been classified as Pathogenic.

Literature cited by the submitters: PubMed 16673358.

NM_000553.6(WRN):c.171del (p.Ser56_Tyr57insTer)

Gene: WRN (WRN RecQ like helicase; plus strand). Cytogenetic location: 8p12.
Variant type: Deletion.
Coding change: c.171del on transcript NM_000553.6 (MANE Select); coding-DNA position 171, one base deleted (C; older notation c.171delC).
Protein change: p.Ser56_Tyr57insTer.
Molecular consequence: nonsense.
Genome position (GRCh38, 1-based): chr8:31,059,227, C deleted. VCF-style (leftmost placement, unchanged base first): chr8-31059226-AC-A. GRCh37 (hg19) VCF-style: chr8-30916742-AC-A.
Identifiers: ClinVar variation 943270 (VCV000943270.6), dbSNP rs1812391312, ClinGen allele CA1139660419.